The following is an entry in ClinVar:

ClinVar aggregate classification (germline): Benign/Likely benign. Review status: criteria provided, multiple submitters, no conflicts (2 of 4 stars). 6 submissions from 6 submitters: Benign (1); Likely benign (4). 1 of the submissions does not count toward it. Last evaluated 2026-02-01.

Conditions:
Dystonia, early-onset, and/or spastic paraplegia. Identifiers: MedGen C5562051, MONDO:0859215, OMIM 619681.
Inborn genetic diseases. Identifiers: MedGen C0950123, MeSH D030342.
CAMK2B-related disorder. Also called: CAMK2B-related condition.

Allele frequency attached by ClinVar (database versions not stated): ESP Exome Variant Server 0.00017; gnomAD exomes 0.00027; 1000 Genomes Project 0.00040; 1000 Genomes Project 30x 0.00047.
gnomAD v4.1: 514 of 1,475,678 alleles (0.035%); highest among the groups gnomAD compares: South Asian, 0.064%; no homozygotes.

Submissions (6):

CeGaT Center for Human Genetics Tuebingen
Classification: Likely benign. Last evaluated: 2026-02-01. Review status: criteria provided, single submitter. Criteria: CeGaT Center For Human Genetics Tuebingen Variant Classification Criteria Version 2. Collection method: clinical testing. Allele origin: germline. Affected: yes. Observed: 2 variant alleles.
Comment: CAMK2B: BP4, BS1

Labcorp Genetics (formerly Invitae), Labcorp
Classification: Likely benign. Last evaluated: 2025-11-23. Review status: criteria provided, single submitter. Criteria: Invitae Variant Classification Sherloc (09022015). Collection method: clinical testing. Allele origin: germline.

Blueprint Genetics
Classification: Likely benign. Last evaluated: 2024-11-26. Review status: criteria provided, single submitter. Criteria: ACMG Guidelines, 2015. Collection method: clinical testing. Allele origin: germline.

Ambry Genetics
Classification: Likely benign for Inborn genetic diseases. Last evaluated: 2024-01-17. Review status: criteria provided, single submitter. Criteria: Ambry Variant Classification Scheme 2023. Collection method: clinical testing. Allele origin: germline.

Cambridge Genomics Laboratory, East Genomic Laboratory Hub, NHS Genomic Medicine Service
Classification: Benign for Dystonia, early-onset, and/or spastic paraplegia. Last evaluated: 2019-04-29. Review status: criteria provided, single submitter. Criteria: ACGS Best Practice Guidelines for Variant Classification in Rare Disease 2020. Collection method: clinical testing. Allele origin: germline. Affected: yes. Observed: 1 variant allele.

PreventionGenetics, part of Exact Sciences
Classification: Likely benign for CAMK2B-related condition. Last evaluated: 2022-02-02. Review status: no assertion criteria provided. Collection method: clinical testing. Allele origin: germline. Not counted in ClinVar's aggregate classification.
Comment: This variant is classified as likely benign based on ACMG/AMP sequence variant interpretation guidelines (Richards et al. 2015 PMID: 25741868, with internal and published modifications).

NM_001220.5(CAMK2B):c.1543G>T (p.Val515Leu)

Gene: CAMK2B (calcium/calmodulin dependent protein kinase II beta; minus strand). Cytogenetic location: 7p13.
Variant type: single nucleotide variant.
Coding change: c.1543G>T on transcript NM_001220.5 (MANE Select); coding-DNA position 1543, G replaced by T.
Protein change: p.Val515Leu; replaces valine 515 with leucine.
Molecular consequence: missense variant. On other transcripts: intron variant (8).
Genome position (GRCh38, 1-based): chr7:44,226,570, C>A on the plus strand (G>T on the coding strand, the complement: CAMK2B is on the minus strand). VCF-style: chr7-44226570-C-A. GRCh37 (hg19) VCF-style: chr7-44266169-C-A.
Other names: c.947-5669G>T (NM_172084.3); c.1150+4436G>T (NM_172080.3); c.1036+4436G>T (NM_172083.3); c.1108+4436G>T (NM_172081.3); c.1153+4436G>T (NM_172079.3, NM_172082.3); c.1225+4436G>T (NM_001293170.2, NM_172078.3); c.1543G>T (NM_001220.4); short protein forms V515L.
Identifiers: ClinVar variation 1642608 (VCV001642608.21), dbSNP rs367731329, ClinGen allele CA4240243.